The following is an entry in ClinVar:

ClinVar aggregate classification (germline): Uncertain significance (1 of 4 stars; one submission).

Allele frequency attached by ClinVar (database versions not stated): ExAC 0.00002; gnomAD 0.00002.
gnomAD v4.1: 3 of 1,614,030 alleles (0.00019%); highest among the groups gnomAD compares: African/African-American, 0.004%; no homozygotes.

Submission:

Labcorp Genetics (formerly Invitae), Labcorp
Classification: Uncertain significance. Last evaluated: 2022-07-09. Review status: criteria provided, single submitter. Criteria: Invitae Variant Classification Sherloc (09022015). Collection method: clinical testing. Allele origin: germline.
Comment: In summary, the available evidence is currently insufficient to determine the role of this variant in disease. Therefore, it has been classified as a Variant of Uncertain Significance. Algorithms developed to predict the effect of missense changes on protein structure and function are either unavailable or do not agree on the potential impact of this missense change (SIFT: "Deleterious"; PolyPhen-2: "Probably Damaging"; Align-GVGD: "Class C0"). This variant has not been reported in the literature in individuals affected with CDC45-related conditions. This variant is present in population databases (rs760773132, gnomAD 0.008%). This sequence change replaces isoleucine, which is neutral and non-polar, with valine, which is neutral and non-polar, at codon 253 of the CDC45 protein (p.Ile253Val).

NM_003504.5(CDC45):c.661A>G (p.Ile221Val)

Gene: CDC45 (cell division cycle 45; plus strand). Cytogenetic location: 22q11.21.
Variant type: single nucleotide variant.
Coding change: c.661A>G on transcript NM_003504.5 (MANE Select); coding-DNA position 661, A replaced by G.
Protein change: p.Ile221Val; replaces isoleucine 221 with valine.
Molecular consequence: missense variant. On other transcripts: non-coding transcript variant (1).
Genome position (GRCh38, 1-based): chr22:19,499,108, A>G. VCF-style: chr22-19499108-A-G. GRCh37 (hg19) VCF-style: chr22-19486631-A-G.
Other names: c.757A>G, p.Ile253Val (NM_001178010.2); c.523A>G, p.Ile175Val (NM_001178011.2); c.625A>G, p.Ile209Val (NM_001369291.1); short protein forms I175V, I253V, I209V, I221V.
Identifiers: ClinVar variation 2167871 (VCV002167871.4), dbSNP rs760773132, ClinGen allele CA10101190.
Genomic context (GRCh38, chr22:19,499,108, plus strand): 5'-TCATTGAGCCCAGGTGGGCTATAGGCCGGCTCCACTGCCTTCTCTTCTTCCAGGTGGGCC[A>G]TCGTTGGACTAACAGACCAGTGGGTGCAAGACAAGATCACTCAGTAAGGACACACTCCCT-3'
Protein context (NP_003495.1, residues 211-231): KDLNDMLWWA[Ile221Val]VGLTDQWVQD